The following is an entry in ClinVar:

ClinVar aggregate classification (germline): Likely benign. Review status: criteria provided, multiple submitters, no conflicts (2 of 4 stars). 2 submissions from 2 submitters: Likely benign (2). Last evaluated 2025-12-01.

Allele frequency attached by ClinVar (database versions not stated): gnomAD exomes below 0.00001 and 0.00001; ExAC 0.00001; gnomAD 0.00003; TOPMed 0.00003; ESP Exome Variant Server 0.00008.
gnomAD v4.1: 11 of 1,605,252 alleles (0.00069%); highest among the groups gnomAD compares: Middle Eastern, 0.017%; no homozygotes.

Submissions (2):

CeGaT Center for Human Genetics Tuebingen
Classification: Likely benign. Last evaluated: 2025-12-01. Review status: criteria provided, single submitter. Criteria: CeGaT Center For Human Genetics Tuebingen Variant Classification Criteria Version 2. Collection method: clinical testing. Allele origin: germline. Affected: yes. Observed: 2 variant alleles.
Comment: CHAMP1: BP4

Breakthrough Genomics
Classification: Likely benign. Review status: criteria provided, single submitter. Criteria: ACMG Guidelines, 2015. Collection method: not provided. Allele origin: germline. Inheritance: Autosomal dominant inheritance. Affected: yes.

NM_032436.4(CHAMP1):c.22C>T (p.Arg8Cys)

Gene: CHAMP1 (chromosome alignment maintaining phosphoprotein 1; plus strand). Cytogenetic location: 13q34.
Variant type: single nucleotide variant.
Coding change: c.22C>T on transcript NM_032436.4 (MANE Select); coding-DNA position 22, C replaced by T.
Protein change: p.Arg8Cys; replaces arginine 8 with cysteine.
Molecular consequence: missense variant.
Genome position (GRCh38, 1-based): chr13:114,323,864, C>T. VCF-style: chr13-114323864-C-T. GRCh37 (hg19) VCF-style: chr13-115089339-C-T.
Other names: c.22C>T, p.Arg8Cys (NM_001164144.3, NM_001164145.3); short protein forms R8C.
Identifiers: ClinVar variation 1013044 (VCV001013044.39), dbSNP rs371511810, ClinGen allele CA7070570.